The following is an entry in ClinVar:

NM_001042492.3(NF1):c.1154G>C (p.Arg385Pro)

Gene: NF1 (neurofibromin 1; plus strand). Cytogenetic location: 17q11.2.
Variant type: single nucleotide variant.
Coding change: c.1154G>C on transcript NM_001042492.3 (MANE Select); coding-DNA position 1154, G replaced by C.
Protein change: p.Arg385Pro; replaces arginine 385 with proline.
Molecular consequence: missense variant.
Genome position (GRCh38, 1-based): chr17:31,201,128, G>C. VCF-style: chr17-31201128-G-C. GRCh37 (hg19) VCF-style: chr17-29528146-G-C.
Other names: c.1154G>C, p.Arg385Pro (NM_000267.4, NM_001128147.3); short protein forms R385P.
Identifiers: ClinVar variation 1692316 (VCV001692316.2), dbSNP rs1350329837, ClinGen allele CA398997155.

ClinVar aggregate classification (germline): Uncertain significance (1 of 4 stars; one submission).
ClinVar aggregate classification (somatic clinical impact): Tier II - Potential (1 of 4 stars; one submission).

Conditions:
Hereditary cancer-predisposing syndrome. Also called: Hereditary Cancer Syndrome; Hereditary neoplastic syndrome; Neoplastic Syndromes, Hereditary; Tumor predisposition. Identifiers: Orphanet 140162, MedGen C0027672, MeSH D009386, MONDO:0015356.
Rhabdomyosarcoma. Also called: Rhabdomyosarcoma (disease). Identifiers: Orphanet 780, MedGen C0035412, MeSH D012208, MONDO:0005212, HP:0002859.

Allele frequency attached by ClinVar (database versions not stated): TOPMed below 0.00001.

Submissions (2):

Institute for Genomic Medicine (IGM) Clinical Laboratory, Nationwide Children's Hospital
Classification: Tier II - Potential for Rhabdomyosarcoma. Assertion type: diagnostic. Clinical significance: supports diagnosis. Last evaluated: 2025-04-29. Review status: criteria provided, single submitter. Criteria: AMP/ASCO/CAP Guidelines, 2017. Collection method: clinical testing. Allele origin: somatic. Affected: yes.
Comment: Variant has Tier II (potential) clinical significance as a diagnostic inclusion criterion in rhabdomyosarcoma, based on the following evidence: 1) Appears in one or more well-established professional guidelines (e.g., World Health Organization [WHO]; National Comprehensive Cancer Network [NCCN]) as providing diagnostic, prognostic, or therapeutic information. 2) Diagnostic significance based on multiple small studies (Evidence Level C; PMIDs: 34166060, 24436047, 26138366, 21412928).

Sema4
Classification: Uncertain significance for Hereditary cancer-predisposing syndrome. Last evaluated: 2022-03-17. Review status: criteria provided, single submitter. Criteria: Sema4 Curation Guidelines. Collection method: curation. Allele origin: germline.
Comment: The NF1 c.1154G>C (p.R385P) variant has not been reported in the literature to our knowledge. It was not observed in the large and broad cohorts of the Genome Aggregation Database (PMID: 32461654). The variant has not been reported in ClinVar. In silico tools suggest the impact of the variant on protein function is deleterious, though these predictions have not been confirmed by functional studies. The evidence is insufficient to meet ACMG/AMP criteria for classifying the variant as benign or pathogenic. Thus, the clinical significance of this variant is currently uncertain.

Literature cited by the submitters: PubMed 34166060 (cited by Institute for Genomic Medicine (IGM) Clinical Laboratory, Nationwide Children's Hospital); PubMed 24436047 (cited by Institute for Genomic Medicine (IGM) Clinical Laboratory, Nationwide Children's Hospital); PubMed 26138366 (cited by Institute for Genomic Medicine (IGM) Clinical Laboratory, Nationwide Children's Hospital); PubMed 21412928 (cited by Institute for Genomic Medicine (IGM) Clinical Laboratory, Nationwide Children's Hospital).